The following is an entry in ClinVar:

NM_178138.6(LHX3):c.76C>G (p.Arg26Gly)

Gene: LHX3 (LIM homeobox 3; minus strand). Cytogenetic location: 9q34.3.
Variant type: single nucleotide variant.
Coding change: c.76C>G on transcript NM_178138.6 (MANE Select); coding-DNA position 76, C replaced by G.
Protein change: p.Arg26Gly; replaces arginine 26 with glycine.
Molecular consequence: missense variant. On other transcripts: genic upstream transcript variant (1).
Genome position (GRCh38, 1-based): chr9:136,204,937, G>C on the plus strand (C>G on the coding strand, the complement: LHX3 is on the minus strand). VCF-style: chr9-136204937-G-C. GRCh37 (hg19) VCF-style: chr9-139096783-G-C.
Other names: c.-1898C>G (NM_014564.5); c.76C>G (NM_178138.5); short protein forms R26G.
Identifiers: ClinVar variation 3339261 (VCV003339261.2).

ClinVar aggregate classification (germline): Conflicting classifications of pathogenicity. Review status: criteria provided, conflicting classifications (1 of 4 stars). 2 submissions from 2 submitters: Uncertain significance (1); Likely benign (1). Last evaluated 2024-10-14.

Conditions:
LHX3-related disorder. Also called: LHX3-related condition.

gnomAD v4.1: 108 of 1,598,772 alleles (0.0068%); highest among the groups gnomAD compares: Admixed American, 0.18%; no homozygotes.

Submissions (2):

PreventionGenetics, part of Exact Sciences
Classification: Likely benign for LHX3-related condition. Last evaluated: 2024-10-14. Review status: criteria provided, single submitter. Criteria: ACMG Guidelines, 2015. Collection method: clinical testing. Allele origin: germline.
Comment: This variant is classified as likely benign based on ACMG/AMP sequence variant interpretation guidelines (Richards et al. 2015 PMID: 25741868, with internal and published modifications).

Women's Health and Genetics/Laboratory Corporation of America, LabCorp
Classification: Uncertain significance. Last evaluated: 2024-07-29. Review status: criteria provided, single submitter. Criteria: LabCorp Variant Classification Summary - May 2015. Collection method: clinical testing. Allele origin: germline.
Comment: Variant summary: LHX3 c.-1898C>G is located in the untranscribed region upstream of the LHX3 gene region (NM_014564). However, this sequence change results in c.76C>G (p.Arg26Gly) missense change in transctipt NM_178138.6. Three of three in-silico tools predict a benign effect of the variant on protein function. The variant allele was found at a frequency of 0.00042 in 220846 control chromosomes. This frequency is not significantly higher than estimated for a pathogenic variant in LHX3 causing Combined Pituitary Hormone Deficiency (0.00042 vs 0.0013), allowing no conclusion about variant significance. To our knowledge, no occurrence of c.-1898C>G in individuals affected with Combined Pituitary Hormone Deficiency and no experimental evidence demonstrating its impact on protein function have been reported. No submitters have cited clinical-significance assessments for this variant to ClinVar. Based on the evidence outlined above, the variant was classified as uncertain significance.